The following is an entry in ClinVar:

NM_006231.4(POLE):c.877A>G (p.Ile293Val)

Gene: POLE (DNA polymerase epsilon, catalytic subunit; minus strand). Cytogenetic location: 12q24.33.
Variant type: single nucleotide variant.
Coding change: c.877A>G on transcript NM_006231.4 (MANE Select); coding-DNA position 877, A replaced by G.
Protein change: p.Ile293Val; replaces isoleucine 293 with valine.
Molecular consequence: missense variant.
Genome position (GRCh38, 1-based): chr12:132,676,578, T>C on the plus strand (A>G on the coding strand, the complement: POLE is on the minus strand). VCF-style: chr12-132676578-T-C. GRCh37 (hg19) VCF-style: chr12-133253164-T-C.
Other names: short protein forms I293V.
Identifiers: ClinVar variation 1409109 (VCV001409109.8), dbSNP rs2136015689, ClinGen allele CA387364233.

ClinVar aggregate classification (germline): Uncertain significance (1 of 4 stars; one submission).

Submission:

Labcorp Genetics (formerly Invitae), Labcorp
Classification: Uncertain significance. Last evaluated: 2021-02-17. Review status: criteria provided, single submitter. Criteria: Invitae Variant Classification Sherloc (09022015). Collection method: clinical testing. Allele origin: germline.
Comment: This sequence change replaces isoleucine with valine at codon 293 of the POLE protein (p.Ile293Val). The isoleucine residue is highly conserved and there is a small physicochemical difference between isoleucine and valine. This variant is not present in population databases (ExAC no frequency). This variant has not been reported in the literature in individuals with POLE-related conditions. Algorithms developed to predict the effect of missense changes on protein structure and function are either unavailable or do not agree on the potential impact of this missense change (SIFT: "Tolerated"; PolyPhen-2: "Possibly Damaging"; Align-GVGD: "Class C0"). Algorithms developed to predict the effect of sequence changes on RNA splicing suggest that this variant may create or strengthen a splice site, but this prediction has not been confirmed by published transcriptional studies. In summary, the available evidence is currently insufficient to determine the role of this variant in disease. Therefore, it has been classified as a Variant of Uncertain Significance.